The following is an entry in ClinVar:

NM_004082.5(DCTN1):c.1022T>G (p.Ile341Ser)

Gene: DCTN1 (dynactin subunit 1; minus strand). Cytogenetic location: 2p13.1.
Variant type: single nucleotide variant.
Coding change: c.1022T>G on transcript NM_004082.5 (MANE Select); coding-DNA position 1022, T replaced by G.
Protein change: p.Ile341Ser; replaces isoleucine 341 with serine.
Molecular consequence: missense variant. On other transcripts: non-coding transcript variant (1).
Genome position (GRCh38, 1-based): chr2:74,370,647, A>C on the plus strand (T>G on the coding strand, the complement: DCTN1 is on the minus strand). VCF-style: chr2-74370647-A-C. GRCh37 (hg19) VCF-style: chr2-74597774-A-C.
Other names: c.962T>G, p.Ile321Ser (NM_001135040.3); c.620T>G, p.Ile207Ser (NM_001135041.3, NM_023019.4); c.911T>G, p.Ile304Ser (NM_001190836.2); c.1001T>G, p.Ile334Ser (NM_001190837.2); c.971T>G, p.Ile324Ser (NM_001378991.1); c.953T>G, p.Ile318Ser (NM_001378992.1); short protein forms I334S, I304S, I321S, I318S, I324S, I341S, I207S.
Identifiers: ClinVar variation 1482238 (VCV001482238.8), dbSNP rs1674769234, ClinGen allele CA347363949.

ClinVar aggregate classification (germline): Uncertain significance (1 of 4 stars; one submission).

Conditions:
Amyotrophic lateral sclerosis type 1 (ALS1). Also called: AMYOTROPHIC LATERAL SCLEROSIS 1, FAMILIAL. Identifiers: Orphanet 803, MedGen C1862939, MONDO:0007103, OMIM 105400.
Perry syndrome. Also called: PARKINSONISM WITH ALVEOLAR HYPOVENTILATION AND MENTAL DEPRESSION. Identifiers: Orphanet 178509, MedGen C1868594, MONDO:0008201, OMIM 168605.
Neuronopathy, distal hereditary motor, type 7B. Also called: HMN VIIB; Distal Hereditary Motor Neuronopathy Type 7B (dHMN7B); LOWER MOTOR NEURON DISEASE, DYNACTIN TYPE; NEURONOPATHY, DISTAL HEREDITARY MOTOR, AUTOSOMAL DOMINANT 14; NEURONOPATHY, DISTAL HEREDITARY MOTOR, HARDING TYPE VIIB; NEUROPATHY, DISTAL HEREDITARY MOTOR, HARDING TYPE VIIB. Identifiers: Orphanet 139589, MedGen C1843315, MONDO:0011879, OMIM 607641.

Allele frequency attached by ClinVar (database versions not stated): gnomAD 0.00001.
gnomAD v4.1: 2 of 1,613,946 alleles (0.00012%); no homozygotes.

Submission:

Labcorp Genetics (formerly Invitae), Labcorp
Classification: Uncertain significance for Amyotrophic lateral sclerosis type 1; Neuronopathy, distal hereditary motor, type 7B; Perry syndrome. Last evaluated: 2021-07-22. Review status: criteria provided, single submitter. Criteria: Invitae Variant Classification Sherloc (09022015). Collection method: clinical testing. Allele origin: germline.
Comment: In summary, the available evidence is currently insufficient to determine the role of this variant in disease. Therefore, it has been classified as a Variant of Uncertain Significance. Algorithms developed to predict the effect of missense changes on protein structure and function (SIFT, PolyPhen-2, Align-GVGD) all suggest that this variant is likely to be disruptive. This variant has not been reported in the literature in individuals affected with DCTN1-related conditions. This variant is not present in population databases (ExAC no frequency). This sequence change replaces isoleucine with serine at codon 341 of the DCTN1 protein (p.Ile341Ser). The isoleucine residue is highly conserved and there is a large physicochemical difference between isoleucine and serine.